The following is an entry in ClinVar:

ClinVar aggregate classification (germline): Uncertain significance. Review status: criteria provided, multiple submitters, no conflicts (2 of 4 stars). 2 submissions from 2 submitters: Uncertain significance (2). Last evaluated 2025-07-28.

Conditions:
Cardiovascular phenotype. Identifiers: MedGen CN230736.

Allele frequency attached by ClinVar (database versions not stated): TOPMed 0.00002; ExAC 0.00003; ESP Exome Variant Server 0.00013; gnomAD 0.00001; gnomAD exomes 0.00002.
gnomAD v4.1: 37 of 1,580,838 alleles (0.0023%); highest among the groups gnomAD compares: Middle Eastern, 0.37%; no homozygotes.

Submissions (2):

Women's Health and Genetics/Laboratory Corporation of America, LabCorp
Classification: Uncertain significance. Last evaluated: 2025-07-28. Review status: criteria provided, single submitter. Criteria: LabCorp Variant Classification Summary - May 2015. Collection method: clinical testing. Allele origin: germline.
Comment: Variant summary: TNXB c.10595T>A (p.Met3532Lys) results in a non-conservative amino acid change in the encoded protein sequence. Algorithms developed to predict the effect of missense changes on protein structure and function are either unavailable or do not agree on the potential impact of this missense change. The variant allele was found at a frequency of 2.1e-05 in 241158 control chromosomes. The available data on variant occurrences in the general population are insufficient to allow any conclusion about variant significance. To our knowledge, no occurrence of c.10595T>A in individuals affected with Ehlers-Danlos syndrome due to tenascin-X deficiency and no experimental evidence demonstrating its impact on protein function have been reported. ClinVar contains an entry for this variant (Variation ID: 1779343). Based on the evidence outlined above, the variant was classified as uncertain significance.

Ambry Genetics
Classification: Uncertain significance for Cardiovascular phenotype. Last evaluated: 2024-11-30. Review status: criteria provided, single submitter. Criteria: Ambry Variant Classification Scheme 2023. Collection method: clinical testing. Allele origin: germline.
Comment: The p.M3532K variant (also known as c.10595T>A), located in coding exon 30 of the TNXB gene, results from a T to A substitution at nucleotide position 10595. The methionine at codon 3532 is replaced by lysine, an amino acid with similar properties. This amino acid position is conserved. In addition, this alteration is predicted to be tolerated by in silico analysis. Since supporting evidence is limited at this time, the clinical significance of this alteration remains unclear.

NM_001365276.2(TNXB):c.10601T>A (p.Met3534Lys)

Gene: TNXB (tenascin XB; minus strand). Cytogenetic location: 6p21.33.
Variant type: single nucleotide variant.
Coding change: c.10601T>A on transcript NM_001365276.2 (MANE Select); coding-DNA position 10601, T replaced by A.
Protein change: p.Met3534Lys; replaces methionine 3534 with lysine.
Molecular consequence: missense variant.
Genome position (GRCh38, 1-based): chr6:32,046,180, A>T on the plus strand (T>A on the coding strand, the complement: TNXB is on the minus strand). VCF-style: chr6-32046180-A-T. GRCh37 (hg19) VCF-style: chr6-32013957-A-T.
Other names: c.10595T>A, p.Met3532Lys (NM_019105.8); short protein forms M3534K, M3532K.
Identifiers: ClinVar variation 1779343 (VCV001779343.4), dbSNP rs377661896, ClinGen allele CA3733188.
Genomic context (GRCh38, chr6:32,046,180, plus strand): 5'-TGCACAAGGAAACCCACACAAGCTGGCTTGCTATAGCCAGGCACAGCAGCCTCACCTGTC[A>T]TTCCCAGGGCAGAGACCGGGCCCAGGCGCTTTCCCCCAAGGAGCCCGTAGAGCAGAAACT-3'
Protein context (NP_001352205.1, residues 3524-3544): KRLGPVSALG[Met3534Lys]TAPEEDTPAP